The following is an entry in ClinVar:

ClinVar aggregate classification (germline): Uncertain significance (1 of 4 stars; one submission).

Conditions:
Inborn genetic diseases. Identifiers: MedGen C0950123, MeSH D030342.

Allele frequency attached by ClinVar (database versions not stated): gnomAD exomes below 0.00001.
gnomAD v4.1: 1 of 1,613,530 alleles (0.000062%); highest among the groups gnomAD compares: Non-Finnish European, 0.000085%; no homozygotes.

Submission:

Ambry Genetics
Classification: Uncertain significance for Inborn genetic diseases. Last evaluated: 2024-07-13. Review status: criteria provided, single submitter. Criteria: Ambry Variant Classification Scheme 2023. Collection method: clinical testing. Allele origin: germline.
Comment: The p.K1132E variant (also known as c.3394A>G), located in coding exon 25 of the LRRK2 gene, results from an A to G substitution at nucleotide position 3394. The lysine at codon 1132 is replaced by glutamic acid, an amino acid with similar properties. This amino acid position is conserved. In addition, the in silico prediction for this alteration is inconclusive. Since supporting evidence is limited at this time, the clinical significance of this alteration remains unclear.

NM_198578.4(LRRK2):c.3394A>G (p.Lys1132Glu)

Gene: LRRK2 (leucine rich repeat kinase 2; plus strand). Cytogenetic location: 12q12.
Variant type: single nucleotide variant.
Coding change: c.3394A>G on transcript NM_198578.4 (MANE Select); coding-DNA position 3394, A replaced by G.
Protein change: p.Lys1132Glu; replaces lysine 1132 with glutamic acid.
Molecular consequence: missense variant.
Genome position (GRCh38, 1-based): chr12:40,299,155, A>G. VCF-style: chr12-40299155-A-G. GRCh37 (hg19) VCF-style: chr12-40692957-A-G.
Other names: short protein forms K1132E.
Identifiers: ClinVar variation 1730935 (VCV001730935.3), dbSNP rs1452740611, ClinGen allele CA384415605.